The following is an entry in ClinVar:

ClinVar aggregate classification (germline): Uncertain significance. Review status: criteria provided, multiple submitters, no conflicts (2 of 4 stars). 4 submissions from 4 submitters: Uncertain significance (4). Last evaluated 2025-08-26.

Conditions:
Familial hemophagocytic lymphohistiocytosis 2 (FHL2). Also called: PRF1-Related Familial Hemophagocytic Lymphohistiocytosis (PRF1-fHLH). Identifiers: Orphanet 540, MedGen C1863727, MONDO:0011337, OMIM 603553.
Familial acute necrotizing encephalopathy (IIAE3). Also called: ENCEPHALOPATHY, ACUTE, INFECTION-INDUCED, SUSCEPTIBILITY TO, 3; Susceptibility to Acute Necrotizing Encephalopathy 1. Identifiers: Orphanet 88619, MedGen C2675556, MONDO:0011953, OMIM 608033.

Allele frequency attached by ClinVar (database versions not stated): gnomAD 0.00001; TOPMed 0.00001.
gnomAD v4.1: 46 of 1,611,832 alleles (0.0029%); highest among the groups gnomAD compares: Non-Finnish European, 0.0036%; no homozygotes.

Submissions (4):

Ambry Genetics
Classification: Uncertain significance. Last evaluated: 2025-08-26. Review status: criteria provided, single submitter. Criteria: Ambry Variant Classification Scheme 2023. Collection method: clinical testing. Allele origin: germline.

GeneDx
Classification: Uncertain significance. Last evaluated: 2025-06-25. Review status: criteria provided, single submitter. Criteria: GeneDx Variant Classification Process June 2021. Collection method: clinical testing. Allele origin: germline. Affected: yes.
Comment: In silico analysis supports that this missense variant has a deleterious effect on protein structure/function; Has not been previously published as pathogenic or benign to our knowledge

Johns Hopkins Genomics, Johns Hopkins University
Classification: Uncertain significance for Familial hemophagocytic lymphohistiocytosis 2. Last evaluated: 2025-03-25. Review status: criteria provided, single submitter. Criteria: ACMG Guidelines, 2015. Collection method: clinical testing. Allele origin: germline.
Comment: This RANBP2 variant (rs1159887089) is rare (<0.1%) in a large population dataset (gnomAD: 2/279290 total alleles; 0.0007%; no homozygotes) and has been reported in ClinVar. Two bioinformatic tools queried predict that this substitution (p.Asp2009Asn) would be damaging, and the aspartate residue at this position is strongly conserved across the vertebrate species assessed. Bioinformatic analysis predicts that this missense change would not affect normal exon 20 of 29 splicing, although this has not been confirmed experimentally to our knowledge. Due to insufficient evidence that this variant is deleterious, we consider the clinical significance of c.6025G>A to be uncertain at this time.

Labcorp Genetics (formerly Invitae), Labcorp
Classification: Uncertain significance for Familial acute necrotizing encephalopathy. Last evaluated: 2019-06-14. Review status: criteria provided, single submitter. Criteria: Invitae Variant Classification Sherloc (09022015). Collection method: clinical testing. Allele origin: germline.
Comment: This variant has not been reported in the literature in individuals with RANBP2-related conditions. This variant is not present in population databases (ExAC no frequency). This sequence change replaces aspartic acid with asparagine at codon 2009 of the RANBP2 protein (p.Asp2009Asn). The aspartic acid residue is highly conserved and there is a small physicochemical difference between aspartic acid and asparagine. Algorithms developed to predict the effect of missense changes on protein structure and function are either unavailable or do not agree on the potential impact of this missense change (SIFT: "Deleterious"; PolyPhen-2: "Probably Damaging"; Align-GVGD: "Class C15"). In summary, the available evidence is currently insufficient to determine the role of this variant in disease. Therefore, it has been classified as a Variant of Uncertain Significance.

Literature cited by the submitters: PubMed 19118815 (cited by Johns Hopkins Genomics, Johns Hopkins University); PubMed 19811512 (cited by Johns Hopkins Genomics, Johns Hopkins University); PubMed 21205700 (cited by Johns Hopkins Genomics, Johns Hopkins University); PubMed 37090838 (cited by Johns Hopkins Genomics, Johns Hopkins University); PubMed 39710814 (cited by Johns Hopkins Genomics, Johns Hopkins University).

NM_006267.5(RANBP2):c.6025G>A (p.Asp2009Asn)

Gene: RANBP2 (RAN binding protein 2; plus strand). Cytogenetic location: 2q13.
Variant type: single nucleotide variant.
Coding change: c.6025G>A on transcript NM_006267.5 (MANE Select); coding-DNA position 6025, G replaced by A.
Protein change: p.Asp2009Asn; replaces aspartic acid 2009 with asparagine.
Molecular consequence: missense variant.
Genome position (GRCh38, 1-based): chr2:108,766,564, G>A. VCF-style: chr2-108766564-G-A. GRCh37 (hg19) VCF-style: chr2-109383020-G-A.
Other names: short protein forms D2009N.
Identifiers: ClinVar variation 942767 (VCV000942767.13), dbSNP rs1159887089, ClinGen allele CA348074534.